The following is an entry in ClinVar:

ClinVar aggregate classification (germline): Conflicting classifications of pathogenicity. Review status: criteria provided, conflicting classifications (1 of 4 stars). 2 submissions from 2 submitters: Likely pathogenic (1); Uncertain significance (1). Last evaluated 2026-04-27.

Submissions (2):

GeneDx
Classification: Likely pathogenic. Last evaluated: 2026-04-27. Review status: criteria provided, single submitter. Criteria: GeneDx Variant Classification Process June 2021. Collection method: clinical testing. Allele origin: germline.
Comment: Not observed at significant frequency in large population cohorts (gnomAD); In silico analysis supports that this missense variant has a deleterious effect on protein structure/function; Has not been previously published as pathogenic or benign to our knowledge

Blueprint Genetics
Classification: Uncertain significance. Last evaluated: 2019-02-28. Review status: criteria provided, single submitter. Criteria: ACMG Guidelines, 2015. Collection method: clinical testing. Allele origin: germline.

NM_001375524.1(TRRAP):c.647C>T (p.Pro216Leu)

Gene: TRRAP (transformation/transcription domain associated protein; plus strand). Cytogenetic location: 7q22.1.
Variant type: single nucleotide variant.
Coding change: c.647C>T on transcript NM_001375524.1 (MANE Select); coding-DNA position 647, C replaced by T.
Protein change: p.Pro216Leu; replaces proline 216 with leucine.
Molecular consequence: missense variant.
Genome position (GRCh38, 1-based): chr7:98,899,435, C>T. VCF-style: chr7-98899435-C-T. GRCh37 (hg19) VCF-style: chr7-98497058-C-T.
Other names: c.647C>T, p.Pro216Leu (NM_001244580.2, NM_003496.4); short protein forms P216L.
Identifiers: ClinVar variation 3764482 (VCV003764482.3).
Genomic context (GRCh38, chr7:98,899,435, plus strand): 5'-TAAATGCCACAATGGTAACCCGGGTCCTACCCATTTCTGTCTTCCAGCATTCCATCATTC[C>T]GAGGGGATCACTTTCTCTGAAAGTGTTGGCAGAATTGCCCATTATTGTTGTTTTAATGTA-3'
Protein context (NP_001362453.1, residues 206-226): DSETRTHSII[Pro216Leu]RGSLSLKVLA